The following is an entry in ClinVar:

ClinVar aggregate classification (germline): Pathogenic (1 of 4 stars; one submission).

Conditions:
Joubert syndrome. Also called: Familial aplasia of the vermis; CEREBELLOPARENCHYMAL DISORDER IV; JOUBERT-BOLTSHAUSER SYNDROME. Identifiers: Orphanet 475, MedGen C5979921, MONDO:0018772.
Meckel-Gruber syndrome. Also called: Dysencephalia splachnocystica; DYSENCEPHALIA SPLANCHNOCYSTICA; GRUBER SYNDROME. Identifiers: Orphanet 564, MedGen C0265215, MONDO:0018921.
Nephronophthisis. Also called: Juvenile Nephronophthisis. Identifiers: Orphanet 655, MedGen C0687120, MONDO:0019005, HP:0000090.

Submission:

Labcorp Genetics (formerly Invitae), Labcorp
Classification: Pathogenic for Joubert syndrome; Meckel-Gruber syndrome; Nephronophthisis. Last evaluated: 2024-06-17. Review status: criteria provided, single submitter. Criteria: Invitae Variant Classification Sherloc (09022015). Collection method: clinical testing. Allele origin: germline.
Comment: This sequence change creates a premature translational stop signal (p.Gln752*) in the CEP290 gene. It is expected to result in an absent or disrupted protein product. Loss-of-function variants in CEP290 are known to be pathogenic (PMID: 16909394, 17345604, 20690115). This variant is not present in population databases (gnomAD no frequency). This variant has not been reported in the literature in individuals affected with CEP290-related conditions. ClinVar contains an entry for this variant (Variation ID: 1070346). Algorithms developed to predict the effect of sequence changes on RNA splicing suggest that this variant may disrupt the consensus splice site. For these reasons, this variant has been classified as Pathogenic.

Literature cited by the submitters: PubMed 16909394; PubMed 17345604; PubMed 20690115.

NM_025114.4(CEP290):c.2254C>T (p.Gln752Ter)

Gene: CEP290 (centrosomal protein 290; minus strand). Cytogenetic location: 12q21.32.
Variant type: single nucleotide variant.
Coding change: c.2254C>T on transcript NM_025114.4 (MANE Select); coding-DNA position 2254, C replaced by T.
Protein change: p.Gln752Ter; replaces glutamine 752 with a stop codon.
Molecular consequence: nonsense.
Genome position (GRCh38, 1-based): chr12:88,111,315, G>A on the plus strand (C>T on the coding strand, the complement: CEP290 is on the minus strand). VCF-style: chr12-88111315-G-A. GRCh37 (hg19) VCF-style: chr12-88505092-G-A.
Other names: short protein forms Q752*.
Identifiers: ClinVar variation 1070346 (VCV001070346.7), dbSNP rs2137711696, ClinGen allele CA385974674.
Genomic context (GRCh38, chr12:88,111,315, plus strand): 5'-ATGGTGCTATCCCATCAGGTAAGTCAATTCCTTTAAAAACAACATTTGATCCTTCTGATT[G>A]TCGTAAAAGACTAGTTTCTTTTTCAAGATGGTCTATCTGGAAAAAAAAATCCAGCAATGA-3'